The following is an entry in ClinVar:

NM_001142800.2(EYS):c.5990A>T (p.Glu1997Val)

Gene: EYS (EGF-like photoreceptor maintenance factor; minus strand). Cytogenetic location: 6q12.
Variant type: single nucleotide variant.
Coding change: c.5990A>T on transcript NM_001142800.2 (MANE Select); coding-DNA position 5990, A replaced by T.
Protein change: p.Glu1997Val; replaces glutamic acid 1997 with valine.
Molecular consequence: missense variant.
Genome position (GRCh38, 1-based): chr6:64,388,778, T>A on the plus strand (A>T on the coding strand, the complement: EYS is on the minus strand). VCF-style: chr6-64388778-T-A. GRCh37 (hg19) VCF-style: chr6-65098671-T-A.
Other names: c.5990A>T, p.Glu1997Val (NM_001292009.2); short protein forms E1997V.
Identifiers: ClinVar variation 962336 (VCV000962336.9), dbSNP rs1772996635, ClinGen allele CA364392119.

ClinVar aggregate classification (germline): Uncertain significance (1 of 4 stars; one submission).

Allele frequency attached by ClinVar (database versions not stated): gnomAD exomes below 0.00001.
gnomAD v4.1: 1 of 1,545,102 alleles (0.000065%); highest among the groups gnomAD compares: African/African-American, 0.0014%; no homozygotes.

Submission:

Labcorp Genetics (formerly Invitae), Labcorp
Classification: Uncertain significance. Last evaluated: 2019-09-10. Review status: criteria provided, single submitter. Criteria: Invitae Variant Classification Sherloc (09022015). Collection method: clinical testing. Allele origin: germline.
Comment: In summary, the available evidence is currently insufficient to determine the role of this variant in disease. Therefore, it has been classified as a Variant of Uncertain Significance. Algorithms developed to predict the effect of missense changes on protein structure and function (SIFT, PolyPhen-2, Align-GVGD) all suggest that this variant is likely to be tolerated, but these predictions have not been confirmed by published functional studies and their clinical significance is uncertain. This variant has not been reported in the literature in individuals with EYS-related conditions. This variant is not present in population databases (ExAC no frequency). This sequence change replaces glutamic acid with valine at codon 1997 of the EYS protein (p.Glu1997Val). The glutamic acid residue is moderately conserved and there is a moderate physicochemical difference between glutamic acid and valine.